The following is an entry in ClinVar:

ClinVar aggregate classification (germline): Uncertain significance (1 of 4 stars; one submission).

gnomAD v4.1: 3 of 1,610,786 alleles (0.00019%); highest among the groups gnomAD compares: Non-Finnish European, 0.00025%; no homozygotes.

Submission:

Labcorp Genetics (formerly Invitae), Labcorp
Classification: Uncertain significance. Last evaluated: 2025-11-02. Review status: criteria provided, single submitter. Criteria: Invitae Variant Classification Sherloc (09022015). Collection method: clinical testing. Allele origin: germline.
Comment: This sequence change replaces alanine, which is neutral and non-polar, with glycine, which is neutral and non-polar, at codon 1061 of the COL7A1 protein (p.Ala1061Gly). This variant is not present in population databases (gnomAD no frequency). This variant has not been reported in the literature in individuals affected with COL7A1-related conditions. Invitae Evidence Modeling of protein sequence and biophysical properties (such as structural, functional, and spatial information, amino acid conservation, physicochemical variation, residue mobility, and thermodynamic stability) indicates that this missense variant is not expected to disrupt COL7A1 protein function with a negative predictive value of 95%. In summary, the available evidence is currently insufficient to determine the role of this variant in disease. Therefore, it has been classified as a Variant of Uncertain Significance.

NM_000094.4(COL7A1):c.3182C>G (p.Ala1061Gly)

Gene: COL7A1 (collagen type VII alpha 1 chain; minus strand). Cytogenetic location: 3p21.31.
Variant type: single nucleotide variant.
Coding change: c.3182C>G on transcript NM_000094.4 (MANE Select); coding-DNA position 3182, C replaced by G.
Protein change: p.Ala1061Gly; replaces alanine 1061 with glycine.
Molecular consequence: missense variant.
Genome position (GRCh38, 1-based): chr3:48,587,066, G>C on the plus strand (C>G on the coding strand, the complement: COL7A1 is on the minus strand). VCF-style: chr3-48587066-G-C. GRCh37 (hg19) VCF-style: chr3-48624499-G-C.
Other names: short protein forms A1061G.
Identifiers: ClinVar variation 4706718 (VCV004706718.1).